The following is an entry in ClinVar:

NM_001267550.2(TTN):c.48312+3G>T

Genes: TTN (titin; minus strand), TTN-AS1 (TTN antisense RNA 1; plus strand). Cytogenetic location: 2q31.2.
Variant type: single nucleotide variant.
Coding change: c.48312+3G>T on transcript NM_001267550.2 (MANE Select); 3 bases into the intron after coding-DNA position 48312, G replaced by T.
Molecular consequence: intron variant.
Genome position (GRCh38, 1-based): chr2:178,616,476, C>A on the plus strand (G>T on the coding strand, the complement: TTN is on the minus strand). VCF-style: chr2-178616476-C-A. GRCh37 (hg19) VCF-style: chr2-179481203-C-A.
Other names: NC_000002.11:g.179481203C>A; c.21117+3G>T (NM_003319.4); c.21693+3G>T (NM_133437.4); c.21492+3G>T (NM_133432.3); c.40608+3G>T (NM_133378.4); c.43389+3G>T (NM_001256850.1); c.48312+3G>T (NM_001267550.1).
Identifiers: ClinVar variation 467200 (VCV000467200.10), dbSNP rs368650224, ClinGen allele CA1994872.
Genomic context (GRCh38, chr2:178,616,476, plus strand): 5'-CAACCTTCTGGGATTTCCCCTACTCTCATTTTTGGCATTGATGCAGTGCTGCTCAAAACT[C>A]ACTTTAGTCCATGTTTTCCGGCTGACTTCTCGTTTTTCAACAACGTATCCAGTTAACGGA-3'

ClinVar aggregate classification (germline): Uncertain significance. Review status: criteria provided, multiple submitters, no conflicts (2 of 4 stars). 6 submissions from 6 submitters: Uncertain significance (4). 2 of the submissions do not count toward it. Last evaluated 2026-03-27.

Conditions:
Cardiovascular phenotype. Identifiers: MedGen CN230736.
Dilated cardiomyopathy 1G (CMD1G). Identifiers: Orphanet 154, MedGen C1858763, MONDO:0011400, OMIM 604145.
Autosomal recessive limb-girdle muscular dystrophy type 2J (LGMDR10). Also called: Limb-girdle muscular dystrophy, type 2J; MUSCULAR DYSTROPHY, LIMB-GIRDLE, AUTOSOMAL RECESSIVE 10. Identifiers: Orphanet 140922, MedGen C1837342, MONDO:0012127, OMIM 608807.

Allele frequency attached by ClinVar (database versions not stated): ExAC 0.00001; gnomAD exomes 0.00002.
gnomAD v4.1: 9 of 1,611,908 alleles (0.00056%); highest among the groups gnomAD compares: South Asian, 0.0033%; no homozygotes.

Submissions (7):

Molecular Diagnostic Laboratory for Inherited Cardiovascular Disease, Montreal Heart Institute
Classification: Uncertain significance for Cardiovascular phenotype. Last evaluated: 2026-03-27. Review status: criteria provided, single submitter. Criteria: ACMG Guidelines, 2015. Collection method: clinical testing. Allele origin: germline. Affected: yes.
Comment: PVS1_mod, PM2

Revvity Omics, Revvity
Classification: Uncertain significance. Last evaluated: 2025-03-05. Review status: criteria provided, single submitter. Criteria: ACMG Guidelines, 2015. Collection method: clinical testing. Allele origin: germline.

Victorian Clinical Genetics Services, Murdoch Childrens Research Institute
Classification: Uncertain significance for Dilated cardiomyopathy 1G. Last evaluated: 2023-07-17. Review status: criteria provided, single submitter. Criteria: ACMG Guidelines, 2015. Collection method: clinical testing. Allele origin: germline. Inheritance: Autosomal dominant inheritance. Affected: yes.
Comment: Based on the classification scheme VCGS_Germline_v1.3.4, this variant is classified as VUS-3C. Following criteria are met: 0102 - Loss of function is known mechanism of disease in this gene. In addition, dominant negative is also a suggested mechanism (PMID: 25589632). (I) 0108 - This gene is associated with both recessive and dominant disease (OMIM). (I) 0112 - The condition associated with this gene has incomplete penetrance. Variants in this gene that result in a premature truncating codon (PTC) are known to have reduced penetrance in DCM (PMID: 25589632). (I) 0212 - Non-canonical splice site variant without proven consequence on splicing (no functional evidence available). (SP) 0251 - This variant is heterozygous. (I) 0304 - Variant is present in gnomAD (v2) <0.01 (4 heterozygotes, 0 homozygotes). (SP) 0506 - Abnormal splicing is not predicted and nucleotide is poorly conserved. (SB) 0705 - No comparable non-canonical splice variants have previous evidence for pathogenicity. (I) 0808 - Previous reports of pathogenicity for this variant are conflicting. This variant has been classified as likely benign and benign by multiple clinical diagnostic laboratories (ClinVar). (I) 0905 - No published segregation evidence has been identified for this variant. (I) 1007 - No published functional evidence has been identified for this variant. (I) 1208 - Inheritance information for this variant is not currently available in this individual. (I) Legend: (SP) - Supporting pathogenic, (I) - Information, (SB) - Supporting benign

Labcorp Genetics (formerly Invitae), Labcorp
Classification: Uncertain significance for Dilated cardiomyopathy 1G; Autosomal recessive limb-girdle muscular dystrophy type 2J. Last evaluated: 2017-01-11. Review status: criteria provided, single submitter. Criteria: Invitae Variant Classification Sherloc (09022015). Collection method: clinical testing. Allele origin: germline.

Clinical Genetics, Academic Medical Center
Classification: Benign. Review status: no assertion criteria provided. Collection method: clinical testing. Allele origin: germline. Affected: yes. Study: VKGL Data-share Consensus. Not counted in ClinVar's aggregate classification.

Diagnostic Laboratory, Department of Genetics, University Medical Center Groningen
Classification: Likely benign. Review status: no assertion criteria provided. Collection method: clinical testing. Allele origin: germline. Affected: yes. Study: VKGL Data-share Consensus. Not counted in ClinVar's aggregate classification.

Dr. Peter K. Rogan Lab, Western University
No classification provided (evidence only). Condition: Familial cancer of breast. Review status: no classification provided. Collection method: in vitro. Allele origin: not applicable. Functional consequence: retained intron. Not counted in ClinVar's aggregate classification.

Literature cited by the submitters: PubMed 25589632 (cited by Victorian Clinical Genetics Services, Murdoch Childrens Research Institute).